The following is an entry in ClinVar:

NM_024652.6(LRRK1):c.1685C>T (p.Thr562Ile)

Gene: LRRK1 (leucine rich repeat kinase 1; plus strand). Cytogenetic location: 15q26.3.
Variant type: single nucleotide variant.
Coding change: c.1685C>T on transcript NM_024652.6 (MANE Select); coding-DNA position 1685, C replaced by T.
Protein change: p.Thr562Ile; replaces threonine 562 with isoleucine.
Molecular consequence: missense variant.
Genome position (GRCh38, 1-based): chr15:101,021,128, C>T. VCF-style: chr15-101021128-C-T. GRCh37 (hg19) VCF-style: chr15-101561333-C-T.
Other names: c.1685C>T (NM_024652.3); short protein forms T562I.
Identifiers: ClinVar variation 1904189 (VCV001904189.6), dbSNP rs1198339219, ClinGen allele CA393961566.

ClinVar aggregate classification (germline): Uncertain significance. Review status: criteria provided, multiple submitters, no conflicts (2 of 4 stars). 2 submissions from 2 submitters: Uncertain significance (2). Last evaluated 2024-03-08.

Conditions:
Inborn genetic diseases. Identifiers: MedGen C0950123, MeSH D030342.

Allele frequency attached by ClinVar (database versions not stated): gnomAD exomes below 0.00001; gnomAD 0.00001; TOPMed 0.00002.
gnomAD v4.1: 3 of 1,614,020 alleles (0.00019%); highest among the groups gnomAD compares: African/African-American, 0.004%; no homozygotes.

Submissions (2):

Ambry Genetics
Classification: Uncertain significance for Inborn genetic diseases. Last evaluated: 2024-03-08. Review status: criteria provided, single submitter. Criteria: Ambry Variant Classification Scheme 2023. Collection method: clinical testing. Allele origin: germline.

Labcorp Genetics (formerly Invitae), Labcorp
Classification: Uncertain significance. Last evaluated: 2022-06-02. Review status: criteria provided, single submitter. Criteria: Invitae Variant Classification Sherloc (09022015). Collection method: clinical testing. Allele origin: germline.
Comment: This variant has not been reported in the literature in individuals affected with LRRK1-related conditions. In summary, the available evidence is currently insufficient to determine the role of this variant in disease. Therefore, it has been classified as a Variant of Uncertain Significance. Algorithms developed to predict the effect of missense changes on protein structure and function (SIFT, PolyPhen-2, Align-GVGD) all suggest that this variant is likely to be tolerated. This variant is present in population databases (no rsID available, gnomAD 0.01%). This sequence change replaces threonine, which is neutral and polar, with isoleucine, which is neutral and non-polar, at codon 562 of the LRRK1 protein (p.Thr562Ile).